The following is an entry in ClinVar:

NM_001101421.4(MYO1H):c.1227del (p.Phe409fs)

Gene: MYO1H (myosin IH; plus strand). Cytogenetic location: 12q24.11.
Variant type: Deletion.
Coding change: c.1227del on transcript NM_001101421.4 (MANE Select); coding-DNA position 1227, one base deleted (T; older notation c.1227delT).
Protein change: p.Phe409fs; shifts the reading frame from phenylalanine 409.
Molecular consequence: frameshift variant.
Genome position (GRCh38, 1-based): chr12:109,409,966, T deleted; the last of 4 consecutive T bases (chr12:109,409,963-109,409,966); deleting any one gives the same sequence. VCF-style (leftmost placement, unchanged base first): chr12-109409962-GT-G. GRCh37 (hg19) VCF-style: chr12-109847767-GT-G.
Other names: short protein forms F409fs.
Identifiers: ClinVar variation 4888235 (VCV004888235.1).

ClinVar aggregate classification (germline): Likely pathogenic (1 of 4 stars; one submission).

Conditions:
Central hypoventilation syndrome, congenital, 2, and autonomic dysfunction. Identifiers: MedGen C5561963, MONDO:0030537, OMIM 619482.

Submission:

Genelabs Medical  (pvt) Ltd
Classification: Likely pathogenic for Central hypoventilation syndrome, congenital, 2, and autonomic dysfunction. Last evaluated: 2026-08-03. Review status: criteria provided, single submitter. Criteria: ACMG Guidelines, 2015. Collection method: clinical testing. Allele origin: germline. Inheritance: Autosomal recessive inheritance. Affected: no. Observed: 1 heterozygote.
Comment: The frameshift deletion NM_001101421.4(MYO1H):c.1227del (p.Phe409Leufs*6) is absent from major population databases, including gnomAD and the 1000 Genomes Project, suggesting it is not observed in the general population. This single base deletion results in a frameshift that introduces a premature stop codon after 6 altered amino acids. The variant is predicted to result in loss of normal protein function through truncation or nonsense-mediated decay (NMD). Loss of function is a known disease mechanism for MYO1H, and there are other pathogenic loss-of-function variants reported in this gene, with the furthest variant being 449 residues downstream of this variant. For these reasons, the p.Phe409Leufs*6 variant is classified as Likely pathogenic. (PVS1, PM2_Supporting)